The following is an entry in ClinVar:

NM_002775.5(HTRA1):c.31CTG[5] (p.Leu16del)

Gene: HTRA1 (HtrA serine peptidase 1; plus strand). Cytogenetic location: 10q26.13.
Variant type: Microsatellite.
Coding change: c.31CTG[5] on transcript NM_002775.5 (MANE Select); five copies in a row of the 3-base unit CTG starting at c.31; the reference has six copies in a row; one copy, 3 bases deleted.
Protein change: p.Leu16del; deletes leucine 16.
Genome position (GRCh38, 1-based): chr10:122,461,698-122,461,700, CTG deleted; deleting any 3 consecutive bases within chr10:122,461,682-122,461,700 gives the same sequence; the position shown is the placement nearest the transcript's 3' end. VCF-style (leftmost placement, unchanged base first): chr10-122461681-CGCT-C. GRCh37 (hg19) VCF-style: chr10-124221197-CGCT-C.
Other names: short protein forms L16del.
Identifiers: ClinVar variation 4807059 (VCV004807059.2).

ClinVar aggregate classification (germline): Conflicting classifications of pathogenicity. Review status: criteria provided, conflicting classifications (1 of 4 stars). 2 submissions from 2 submitters: Uncertain significance (1); Likely benign (1). Last evaluated 2025-07-14.

Submissions (2):

Labcorp Genetics (formerly Invitae), Labcorp
Classification: Uncertain significance. Last evaluated: 2025-07-14. Review status: criteria provided, single submitter. Criteria: Invitae Variant Classification Sherloc (09022015). Collection method: clinical testing. Allele origin: germline.
Comment: This variant, c.46_48del, results in the deletion of 1 amino acid(s) of the HTRA1 protein (p.Leu16del), but otherwise preserves the integrity of the reading frame. The frequency data for this variant in the population databases is considered unreliable, as metrics indicate poor data quality at this position in the gnomAD database. This variant has not been reported in the literature in individuals affected with HTRA1-related conditions. Experimental studies and prediction algorithms are not available or were not evaluated, and the functional significance of this variant is currently unknown. In summary, the available evidence is currently insufficient to determine the role of this variant in disease. Therefore, it has been classified as a Variant of Uncertain Significance.

Blueprint Genetics
Classification: Likely benign. Last evaluated: 2024-11-22. Review status: criteria provided, single submitter. Criteria: ACMG Guidelines, 2015. Collection method: clinical testing. Allele origin: germline.